The following is an entry in ClinVar:

NM_024301.5(FKRP):c.1238del (p.Leu413fs)

Gene: FKRP (fukutin related protein; plus strand). Cytogenetic location: 19q13.32.
Variant type: Deletion.
Coding change: c.1238del on transcript NM_024301.5 (MANE Select); coding-DNA position 1238, one base deleted (T; older notation c.1238delT).
Protein change: p.Leu413fs; shifts the reading frame from leucine 413.
Molecular consequence: frameshift variant.
Genome position (GRCh38, 1-based): chr19:46,756,688, T deleted; the last of 2 consecutive T bases (chr19:46,756,687-46,756,688); deleting either gives the same sequence. VCF-style (leftmost placement, unchanged base first): chr19-46756686-CT-C. GRCh37 (hg19) VCF-style: chr19-47259943-CT-C.
Other names: c.1238del, p.Leu413fs (NM_001039885.3); short protein forms L413fs.
Identifiers: ClinVar variation 959873 (VCV000959873.9), dbSNP rs2054934925, ClinGen allele CA1139666499.

ClinVar aggregate classification (germline): Pathogenic (1 of 4 stars; one submission).

Conditions:
Walker-Warburg congenital muscular dystrophy. Also called: Muscular dystrophy-dystroglycanopathy, type A; Walker-Warburg syndrome. Identifiers: Orphanet 899, MedGen C0265221, MONDO:0000171.

Submission:

Labcorp Genetics (formerly Invitae), Labcorp
Classification: Pathogenic for Walker-Warburg congenital muscular dystrophy. Last evaluated: 2019-10-17. Review status: criteria provided, single submitter. Criteria: Invitae Variant Classification Sherloc (09022015). Collection method: clinical testing. Allele origin: germline.
Comment: This sequence change results in a premature translational stop signal in the FKRP gene (p.Leu413Cysfs*15). While this is not anticipated to result in nonsense mediated decay, it is expected to disrupt the last 83 amino acids of the FKRP protein. This variant is not present in population databases (ExAC no frequency). This variant disrupts the C-terminus of the FKRP protein. Other variant(s) that disrupt this region (p.Trp432*) have been determined to be pathogenic (Invitae). This suggests that variants that disrupt this region of the protein are likely to be causative of disease. This variant has not been reported in the literature in individuals with FKRP-related conditions. For these reasons, this variant has been classified as Pathogenic.